The following is an entry in ClinVar:

NM_000552.5(VWF):c.3800T>C (p.Leu1267Ser)

Gene: VWF (von Willebrand factor; minus strand). Cytogenetic location: 12p13.31.
Variant type: single nucleotide variant.
Coding change: c.3800T>C on transcript NM_000552.5 (MANE Select); coding-DNA position 3800, T replaced by C.
Protein change: p.Leu1267Ser; replaces leucine 1267 with serine.
Molecular consequence: missense variant.
Genome position (GRCh38, 1-based): chr12:6,019,618, A>G on the plus strand (T>C on the coding strand, the complement: VWF is on the minus strand). VCF-style: chr12-6019618-A-G. GRCh37 (hg19) VCF-style: chr12-6128784-A-G.
Other names: short protein forms L1267S.
Identifiers: ClinVar variation 3068894 (VCV003068894.2), dbSNP rs2497517908, ClinGen allele CA383507099.

ClinVar aggregate classification (germline): Uncertain significance (1 of 4 stars; one submission).

Submission:

Women's Health and Genetics/Laboratory Corporation of America, LabCorp
Classification: Uncertain significance. Last evaluated: 2024-02-06. Review status: criteria provided, single submitter. Criteria: LabCorp Variant Classification Summary - May 2015. Collection method: clinical testing. Allele origin: germline.
Comment: Variant summary: VWF c.3800T>C (p.Leu1267Ser) results in a non-conservative amino acid change located in the von Willebrand factor, VWA N-terminal domain (IPR032361) of the encoded protein sequence. Three of five in-silico tools predict a damaging effect of the variant on protein function. The variant was absent in 250096 control chromosomes. The available data on variant occurrences in the general population are insufficient to allow any conclusion about variant significance. To our knowledge, no occurrence of c.3800T>C in individuals affected with Von Willebrand Disease and no experimental evidence demonstrating its impact on protein function have been reported. No submitters have cited clinical-significance assessments for this variant to ClinVar. Based on the evidence outlined above, the variant was classified as uncertain significance.